The following is an entry in ClinVar:

NM_002495.4(NDUFS4):c.472_476dup (p.Tyr160fs)

Gene: NDUFS4 (NADH:ubiquinone oxidoreductase subunit S4; plus strand). Cytogenetic location: 5q11.2.
Variant type: Duplication.
Coding change: c.472_476dup on transcript NM_002495.4 (MANE Select); coding-DNA positions 472 to 476, 5 bases duplicated (AAGTC; older notation c.472_476dupAAGTC).
Protein change: p.Tyr160fs; shifts the reading frame from tyrosine 160.
Molecular consequence: frameshift variant. On other transcripts: 3 prime UTR variant (1), non-coding transcript variant (3).
Genome position (GRCh38, 1-based): chr5:53,683,165-53,683,169, AAGTC duplicated; duplicating any 5 consecutive bases within chr5:53,683,164-53,683,169 gives the same sequence; the c. name uses the placement nearest the transcript's 3' end. VCF-style (leftmost placement, unchanged base first): chr5-53683163-C-CCAAGT. GRCh37 (hg19) VCF-style: chr5-52978993-C-CCAAGT.
Other names: c.*35_*39dup (NM_001318051.2); short protein forms Y160fs.
Identifiers: ClinVar variation 928737 (VCV000928737.3), dbSNP rs1740730588, ClinGen allele CA1139658831.

ClinVar aggregate classification (germline): Likely pathogenic. Review status: criteria provided, multiple submitters, no conflicts (2 of 4 stars). 3 submissions from 3 submitters: Likely pathogenic (3). Last evaluated 2024-10-14.

Conditions:
Leigh syndrome (NULS). Also called: Leigh Disease; Subacute necrotizing encephalopathy; Leigh Syndrome (mtDNA deletion); Leigh's syndrome; Leigh's necrotizing encephalopathy; Leigh's disease. Identifiers: Orphanet 506, MedGen C2931891, MONDO:0009723, OMIM 256000.
Mitochondrial complex I deficiency, nuclear type 1. Also called: NADH-COENZYME Q REDUCTASE DEFICIENCY; MITOCHONDRIAL NADH DEHYDROGENASE COMPONENT OF COMPLEX I, DEFICIENCY OF. Identifiers: MedGen C6022305, MONDO:0100224, OMIM 252010.

Submissions (3):

3billion
Classification: Likely pathogenic for Mitochondrial complex I deficiency, nuclear type 1. Last evaluated: 2024-10-14. Review status: criteria provided, single submitter. Criteria: ACMG Guidelines, 2015. Collection method: clinical testing. Allele origin: germline. Affected: yes.
Comment: The variant is not observed in the gnomAD v4.1.0 dataset. Predicted Consequence/Location: Frameshift: predicted to result in a loss or disruption of normal protein function through protein truncation. The predicted truncated protein may be shortened by more than 10%. The variant has been reported at least twice as pathogenic without evidence for the classification (ClinVar ID: VCV000928737 /PMID: 22326555). Therefore, this variant is classified as Likely pathogenic according to the recommendation of ACMG/AMP guideline.

Baylor Genetics
Classification: Likely pathogenic for Mitochondrial complex I deficiency, nuclear type 1. Last evaluated: 2023-04-05. Review status: criteria provided, single submitter. Criteria: ACMG Guidelines, 2015. Collection method: clinical testing. Allele origin: unknown.

Women's Health and Genetics/Laboratory Corporation of America, LabCorp
Classification: Likely pathogenic for Leigh syndrome. Last evaluated: 2019-08-08. Review status: criteria provided, single submitter. Criteria: LabCorp Variant Classification Summary - May 2015. Collection method: clinical testing. Allele origin: germline.
Comment: Variant summary: NDUFS4 c.472_476dupAAGTC (p.Tyr160SerfsX31) causes a frameshift which results in an extension of the protein. The variant was absent in 250846 control chromosomes (gnomAD). c.472_476dupAAGTC has been reported in the literature in individuals affected with Leigh syndrome and mitochondrial complex I deficiency (Visch_2006, Assouline_2012). These data indicate that the variant may be associated with disease. At least one publication reports experimental evidence evaluating an impact on protein function. The most pronounced variant effect results in >50%-90% of normal activity (Triepels_2001). No clinical diagnostic laboratories have submitted clinical-significance assessments for this variant to ClinVar after 2014. Based on the evidence outlined above, the variant was classified as likely pathogenic.

Literature cited by the submitters: PubMed 22326555 (cited by 3billion and Women's Health and Genetics/Laboratory Corporation of America, LabCorp); PubMed 27079373 (cited by Women's Health and Genetics/Laboratory Corporation of America, LabCorp); PubMed 11112787 (cited by Women's Health and Genetics/Laboratory Corporation of America, LabCorp); PubMed 16213125 (cited by Women's Health and Genetics/Laboratory Corporation of America, LabCorp); PubMed 9463323 (cited by Women's Health and Genetics/Laboratory Corporation of America, LabCorp).